The following is an entry in ClinVar:

ClinVar aggregate classification (germline): Uncertain significance (1 of 4 stars; one submission).

Conditions:
Acromesomelic dysplasia 1, Maroteaux type (AMD1). Also called: ST. HELENA DYSPLASIA; ACROMESOMELIC DYSPLASIA 1. Identifiers: Orphanet 40, MedGen C1864356, MONDO:0011275, OMIM 602875.
Tall stature-scoliosis-macrodactyly of the great toes syndrome. Also called: Epiphyseal chondrodysplasia, miura type. Identifiers: Orphanet 329191, MedGen C4014690, MONDO:0014401, OMIM 615923.

Allele frequency attached by ClinVar (database versions not stated): gnomAD exomes below 0.00001.
gnomAD v4.1: 2 of 1,614,050 alleles (0.00012%); highest among the groups gnomAD compares: Non-Finnish European, 0.00017%; no homozygotes.

Submission:

Labcorp Genetics (formerly Invitae), Labcorp
Classification: Uncertain significance for Tall stature-scoliosis-macrodactyly of the great toes syndrome; Acromesomelic dysplasia 1, Maroteaux type. Last evaluated: 2023-06-14. Review status: criteria provided, single submitter. Criteria: Invitae Variant Classification Sherloc (09022015). Collection method: clinical testing. Allele origin: germline.
Comment: This sequence change replaces threonine, which is neutral and polar, with proline, which is neutral and non-polar, at codon 121 of the NPR2 protein (p.Thr121Pro). This variant is not present in population databases (gnomAD no frequency). This variant has not been reported in the literature in individuals affected with NPR2-related conditions. Advanced modeling of protein sequence and biophysical properties (such as structural, functional, and spatial information, amino acid conservation, physicochemical variation, residue mobility, and thermodynamic stability) has been performed at Invitae for this missense variant, however the output from this modeling did not meet the statistical confidence thresholds required to predict the impact of this variant on NPR2 protein function. In summary, the available evidence is currently insufficient to determine the role of this variant in disease. Therefore, it has been classified as a Variant of Uncertain Significance.

NM_003995.4(NPR2):c.361A>C (p.Thr121Pro)

Gene: NPR2 (natriuretic peptide receptor 2; plus strand). Cytogenetic location: 9p13.3.
Variant type: single nucleotide variant.
Coding change: c.361A>C on transcript NM_003995.4 (MANE Select); coding-DNA position 361, A replaced by C.
Protein change: p.Thr121Pro; replaces threonine 121 with proline.
Molecular consequence: missense variant.
Genome position (GRCh38, 1-based): chr9:35,792,769, A>C. VCF-style: chr9-35792769-A-C. GRCh37 (hg19) VCF-style: chr9-35792766-A-C.
Other names: c.361A>C, p.Thr121Pro (NM_001378923.1); short protein forms T121P.
Identifiers: ClinVar variation 2938980 (VCV002938980.3), dbSNP rs2491028870, ClinGen allele CA373363445.